The following is an entry in ClinVar:

NM_000083.3(CLCN1):c.434-1_437del

Gene: CLCN1 (chloride voltage-gated channel 1; plus strand). Cytogenetic location: 7q34.
Variant type: Deletion.
Coding change: c.434-1_437del on transcript NM_000083.3 (MANE Select); the canonical splice acceptor site of the intron before coding-DNA position 434 through coding-DNA position 437, 5 bases deleted (GCCTA; older notation c.434-1_437delGCCTA).
Molecular consequence: splice acceptor variant.
Genome position (GRCh38, 1-based): chr7:143,321,364-143,321,368, GCCTA deleted; deleting any 5 consecutive bases within chr7:143,321,363-143,321,368 gives the same sequence; the c. name uses the placement nearest the transcript's 3' end. VCF-style (leftmost placement, unchanged base first): chr7-143321362-CAGCCT-C. GRCh37 (hg19) VCF-style: chr7-143018455-CAGCCT-C.
Identifiers: ClinVar variation 624303 (VCV000624303.45), dbSNP rs1563074191, ClinGen allele CA913189917.
Genomic context (GRCh38, chr7:143,321,362, plus strand): 5'-CTGGTGCCGTGGACACGGCTGCTCAGCCATGTTCTGCCTAACCCCAGGCATGTGTCTCCG[CAGCCT>C]ACAAGTGGTCCTACGCGCAGATGCAGCCCAGCCTTCCTCTGCAGTTCCTGGTCTGGGTCA-3'

ClinVar aggregate classification (germline): Pathogenic/Likely pathogenic. Review status: criteria provided, multiple submitters, no conflicts (2 of 4 stars). 2 submissions from 2 submitters: Pathogenic (1); Likely pathogenic (1). Last evaluated 2026-01-07.

Conditions:
Congenital myotonia, autosomal recessive form. Also called: myotonia congenita, autosomal recessive; BECKER DISEASE; Becker Generalized Myotonia. Identifiers: Orphanet 614, MedGen C0751360, MONDO:0009715, OMIM 255700.

Submissions (2):

Institute of Human Genetics, University of Leipzig Medical Center
Classification: Pathogenic for Congenital myotonia, autosomal recessive form. Last evaluated: 2026-01-07. Review status: criteria provided, single submitter. Criteria: ACMG Guidelines, 2015. Collection method: clinical testing. Allele origin: maternal. Inheritance: Autosomal recessive inheritance. Affected: yes.
Comment: Criteria applied: PVS1,PS4_SUP,PM2_SUP,PP4; Identified as compund heterozygous with NM_000083.3:c.1562C>T

CeGaT Center for Human Genetics Tuebingen
Classification: Likely pathogenic. Last evaluated: 2018-07-01. Review status: criteria provided, single submitter. Criteria: CeGaT Center For Human Genetics Tuebingen Variant Classification Criteria Version 2. Collection method: clinical testing. Allele origin: germline. Affected: yes. Observed: 1 variant allele.